The following is an entry in ClinVar:

NM_000548.5(TSC2):c.3392T>C (p.Met1131Thr)

Gene: TSC2 (TSC complex subunit 2; plus strand). Cytogenetic location: 16p13.3.
Variant type: single nucleotide variant.
Coding change: c.3392T>C on transcript NM_000548.5 (MANE Select); coding-DNA position 3392, T replaced by C.
Protein change: p.Met1131Thr; replaces methionine 1131 with threonine.
Molecular consequence: missense variant.
Genome position (GRCh38, 1-based): chr16:2,079,664, T>C. VCF-style: chr16-2079664-T-C. GRCh37 (hg19) VCF-style: chr16-2129665-T-C.
Other names: c.3260T>C, p.Met1087Thr (NM_001077183.3, NM_001370404.1); c.3392T>C, p.Met1131Thr (NM_001114382.3); c.3152T>C, p.Met1051Thr (NM_001318827.2); c.3116T>C, p.Met1039Thr (NM_001318829.2); c.2660T>C, p.Met887Thr (NM_001318831.2); c.3293T>C, p.Met1098Thr (NM_001318832.2); c.3263T>C, p.Met1088Thr (NM_001363528.2, NM_001370405.1, NM_021055.3); short protein forms M1039T, M887T, M1088T, M1051T, M1087T, M1098T, M1131T.
Identifiers: ClinVar variation 653459 (VCV000653459.19), dbSNP rs763122999, ClinGen allele CA046476.

ClinVar aggregate classification (germline): Conflicting classifications of pathogenicity. Review status: criteria provided, conflicting classifications (1 of 4 stars). 7 submissions from 7 submitters: Uncertain significance (5); Benign (1); Likely benign (1). Last evaluated 2025-06-22.

Conditions:
Hereditary cancer-predisposing syndrome. Also called: Neoplastic Syndromes, Hereditary; Hereditary neoplastic syndrome; Hereditary Cancer Syndrome; Tumor predisposition. Identifiers: Orphanet 140162, MedGen C0027672, MeSH D009386, MONDO:0015356.
Tuberous sclerosis syndrome (TSC). Also called: Tuberous sclerosis; Tuberous Sclerosis Complex. Identifiers: Orphanet 805, MedGen C0041341, MONDO:0001734.
Lymphangiomyomatosis (LAM). Also called: Lymphangioleiomyomatosis; Lymphangioleiomyomatosis, somatic. Identifiers: Orphanet 538, MedGen C0751674, MONDO:0011705, OMIM 606690.
Isolated focal cortical dysplasia type II (FCORD2). Also called: Focal cortical dysplasia type II; CORTICAL DYSPLASIA OF TAYLOR. Identifiers: Orphanet 268994, MedGen C1846385, MONDO:0011818, OMIM 607341, HP:0032051.
Tuberous sclerosis 2 (TSC2). Identifiers: Orphanet 805, MedGen C1860707, MONDO:0013199, OMIM 613254.

Allele frequency attached by ClinVar (database versions not stated): gnomAD exomes below 0.00001 and 0.00001; gnomAD 0.00001; TOPMed 0.00001; ExAC 0.00002.

Submissions (7):

Labcorp Genetics (formerly Invitae), Labcorp
Classification: Benign for Tuberous sclerosis 2. Last evaluated: 2025-06-22. Review status: criteria provided, single submitter. Criteria: Invitae Variant Classification Sherloc (09022015). Collection method: clinical testing. Allele origin: germline.

Ambry Genetics
Classification: Uncertain significance for Hereditary cancer-predisposing syndrome. Last evaluated: 2024-11-27. Review status: criteria provided, single submitter. Criteria: Ambry Variant Classification Scheme 2023. Collection method: clinical testing. Allele origin: germline.
Comment: The p.M1131T variant (also known as c.3392T>C), located in coding exon 28 of the TSC2 gene, results from a T to C substitution at nucleotide position 3392. The methionine at codon 1131 is replaced by threonine, an amino acid with similar properties. This amino acid position is well conserved in available vertebrate species. In addition, the in silico prediction for this alteration is inconclusive. Based on the available evidence, the clinical significance of this variant remains unclear.

Myriad Genetics, Inc.
Classification: Likely benign for Tuberous sclerosis 2. Last evaluated: 2024-08-15. Review status: criteria provided, single submitter. Criteria: Myriad Autosomal Dominant, Autosomal Recessive and X-Linked Classification Criteria (2023). Collection method: clinical testing. Allele origin: unknown.
Comment: This variant is considered likely benign. This variant has been observed at a population frequency that is significantly greater than expected given the associated disease prevalence and penetrance.

All of Us Research Program, National Institutes of Health
Classification: Uncertain significance for Tuberous sclerosis syndrome. Last evaluated: 2024-05-14. Review status: criteria provided, single submitter. Criteria: ACMG Guidelines, 2015. Collection method: clinical testing. Allele origin: germline. Inheritance: Autosomal dominant inheritance. Observed: 2 variant alleles, 2 heterozygotes.
Comment: This missense variant replaces methionine with threonine at codon 1131 of the TSC2 protein. Computational prediction is inconclusive regarding the impact of this variant on protein structure and function (internally defined REVEL score threshold 0.5 < inconclusive < 0.7, PMID: 27666373). To our knowledge, functional studies have not been reported for this variant. This variant has not been reported in individuals affected with tuberous sclerosis complex in the literature. This variant has been identified in 2/206338 chromosomes in the general population by the Genome Aggregation Database (gnomAD). The available evidence is insufficient to determine the role of this variant in disease conclusively. Therefore, this variant is classified as a Variant of Uncertain Significance.

This study involves interpretation of variants in research participants for the purpose of population health screening. Participant phenotype was not available at the time of variant classification. Additional details can be found in publication PMID: 35346344, PMCID: PMC8962531

Sema4
Classification: Uncertain significance for Hereditary cancer-predisposing syndrome. Last evaluated: 2021-12-28. Review status: criteria provided, single submitter. Criteria: Sema4 Curation Guidelines. Collection method: curation. Allele origin: germline.
Comment: To the best of our knowledge, the TSC2 c.3392T>C (p.M1131T) variant has not been reported in individuals with TSC2-related disease. This variant was observed in 2/12248 chromosomes in the African/African American population, according to the Genome Aggregation Database (PMID: 32461654). This variant has been reported in ClinVar (Variation ID: 653459). Functional studies have not been performed, and in silico predictions of the variant's effect on protein function are inconclusive. The evidence is insufficient to meet ACMG/AMP criteria for classifying the variant as benign or pathogenic. Thus, the clinical significance of this variant is currently uncertain.

Fulgent Genetics
Classification: Uncertain significance for Lymphangiomyomatosis; Isolated focal cortical dysplasia type II; Tuberous sclerosis 2. Last evaluated: 2021-12-21. Review status: criteria provided, single submitter. Criteria: ACMG Guidelines, 2015. Collection method: clinical testing. Allele origin: unknown.

Genome-Nilou Lab
Classification: Uncertain significance for Tuberous sclerosis 2. Last evaluated: 2021-11-07. Review status: criteria provided, single submitter. Criteria: ACMG Guidelines, 2015. Collection method: clinical testing. Allele origin: germline. Affected: no.